The following is an entry in ClinVar:

ClinVar aggregate classification (germline): Uncertain significance (0 of 4 stars; one submission).

Conditions:
Hypogonadism with anosmia (KS). Also called: Anosmic idiopathic hypogonadotropic hypogonadism; Hypogonadotropic hypogonadism-anosmia syndrome; Dysplasia olfactogenitalis of De Morsier (formerly); Anosmic hypogonadism; Kallmann syndrome. Identifiers: Orphanet 478, MedGen C0162809, MONDO:0018800.

Allele frequency attached by ClinVar (database versions not stated): gnomAD exomes below 0.00001; TOPMed 0.00002; gnomAD 0.00001.
gnomAD v4.1: 4 of 1,613,794 alleles (0.00025%); highest among the groups gnomAD compares: Admixed American, 0.0017%; no homozygotes.

Submission:

Genetics Department, Polish Mother's Memorial Hospital Research Institute
Classification: Uncertain significance for Hypogonadism with anosmia. Last evaluated: 2019-06-11. Review status: no assertion criteria provided. Collection method: research. Allele origin: germline. Affected: yes.
Comment: variant was observed with the other variant in SEMA7A gene (NM_003612.3:c.916G>A, MIM:614745 ), both observed in heterozygote status and in digenic pattern of inheritance for idiopatic hypogonadotropic hypogonadism/Kallmann syndrome

NM_001035235.4(SRA1):c.341G>A (p.Arg114His)

Gene: SRA1 (steroid receptor RNA activator 1; minus strand). Cytogenetic location: 5q31.3.
Variant type: single nucleotide variant.
Coding change: c.341G>A on transcript NM_001035235.4 (MANE Select); coding-DNA position 341, G replaced by A.
Protein change: p.Arg114His; replaces arginine 114 with histidine.
Molecular consequence: missense variant. On other transcripts: non-coding transcript variant (2), intron variant (1).
Genome position (GRCh38, 1-based): chr5:140,551,995, C>T on the plus strand (G>A on the coding strand, the complement: SRA1 is on the minus strand). VCF-style: chr5-140551995-C-T. GRCh37 (hg19) VCF-style: chr5-139931580-C-T.
Other names: c.307-826G>A (NM_001253764.2); short protein forms R126H, R114H.
Identifiers: ClinVar variation 638187 (VCV000638187.3), dbSNP rs1306465994, ClinGen allele CA361204943.
Genomic context (GRCh38, chr5:140,551,995, plus strand): 5'-GGCTGTGGATGGGAGCCCTCTCTAACCTCTGATGTGCCAGAGCTTACCCTTGTGTGGCCA[C>T]GGCAGTCTTCCAATGCCTGTTCCAAAGGTCTCAGCACATCCTCCATCACAGCCTCAGACT-3'
Protein context (NP_001030312.3, residues 104-124): RPLEQALEDC[Arg114His]GHTRKQVCDD